The following is an entry in ClinVar:

ClinVar aggregate classification (germline): Uncertain significance. Review status: criteria provided, single submitter (1 of 4 stars). 2 submissions from 2 submitters: Uncertain significance (1). 1 of the submissions does not count toward it. Last evaluated 2024-10-29.

Conditions:
Acetyl-CoA: carboxylase deficiency (ACACAD). Also called: Acetyl-CoA carboxylase deficiency; ACACA DEFICIENCY; ACC1 DEFICIENCY. Identifiers: MedGen C0268603, MONDO:0013493, OMIM 613933.

Allele frequency attached by ClinVar (database versions not stated): gnomAD exomes 0.00002; TOPMed 0.00003; gnomAD 0.00005; ExAC 0.00008.
gnomAD v4.1: 32 of 1,613,986 alleles (0.002%); highest among the groups gnomAD compares: East Asian, 0.031%; no homozygotes.

Submissions (2):

Labcorp Genetics (formerly Invitae), Labcorp
Classification: Uncertain significance. Last evaluated: 2024-10-29. Review status: criteria provided, single submitter. Criteria: Invitae Variant Classification Sherloc (09022015). Collection method: clinical testing. Allele origin: germline.
Comment: This sequence change replaces arginine, which is basic and polar, with tryptophan, which is neutral and slightly polar, at codon 2161 of the ACACA protein (p.Arg2161Trp). This variant is present in population databases (rs765969361, gnomAD 0.1%), and has an allele count higher than expected for a pathogenic variant. This missense change has been observed in individual(s) with ACACA-related conditions (PMID: 34552920). ClinVar contains an entry for this variant (Variation ID: 2443958). An algorithm developed to predict the effect of missense changes on protein structure and function (PolyPhen-2) suggests that this variant is likely to be disruptive. In summary, the available evidence is currently insufficient to determine the role of this variant in disease. Therefore, it has been classified as a Variant of Uncertain Significance.

OMIM
Classification: Pathogenic for ACETYL-CoA CARBOXYLASE-ALPHA DEFICIENCY. Last evaluated: 2024-01-31. Review status: no assertion criteria provided. Collection method: literature only. Allele origin: germline. Not counted in ClinVar's aggregate classification.

Literature cited by the submitters: PubMed 34552920 (cited by Labcorp Genetics (formerly Invitae), Labcorp and OMIM).

NM_198834.3(ACACA):c.6592C>T (p.Arg2198Trp)

Gene: ACACA (acetyl-CoA carboxylase alpha; minus strand). Cytogenetic location: 17q12.
Variant type: single nucleotide variant.
Coding change: c.6592C>T on transcript NM_198834.3 (MANE Select); coding-DNA position 6592, C replaced by T.
Protein change: p.Arg2198Trp; replaces arginine 2198 with tryptophan.
Molecular consequence: missense variant.
Genome position (GRCh38, 1-based): chr17:37,097,958, G>A on the plus strand (C>T on the coding strand, the complement: ACACA is on the minus strand). VCF-style: chr17-37097958-G-A. GRCh37 (hg19) VCF-style: chr17-35454893-G-A.
Other names: R2161W; c.6481C>T, p.Arg2161Trp (NM_198836.3, NM_198839.3); c.6307C>T, p.Arg2103Trp (NM_198837.2); c.6247C>T, p.Arg2083Trp (NM_198838.2); short protein forms R2083W, R2103W, R2198W.
Identifiers: ClinVar variation 2443958 (VCV002443958.5), dbSNP rs765969361, ClinGen allele CA8514594.